The following is an entry in ClinVar:

NM_032806.6(POMGNT2):c.1092C>G (p.Leu364=)

Gene: POMGNT2 (protein O-linked mannose N-acetylglucosaminyltransferase 2 (beta 1,4-); minus strand). Cytogenetic location: 3p22.1.
Variant type: single nucleotide variant.
Coding change: c.1092C>G on transcript NM_032806.6 (MANE Select); coding-DNA position 1092, C replaced by G.
Protein change: p.Leu364=; no amino-acid change (leucine 364 retained).
Molecular consequence: synonymous variant.
Genome position (GRCh38, 1-based): chr3:43,080,340, G>C on the plus strand (C>G on the coding strand, the complement: POMGNT2 is on the minus strand). VCF-style: chr3-43080340-G-C. GRCh37 (hg19) VCF-style: chr3-43121832-G-C.
Other names: c.1092C>G (NM_032806.5).
Identifiers: ClinVar variation 1083171 (VCV001083171.8), dbSNP rs372895122, ClinGen allele CA2339934.

ClinVar aggregate classification (germline): Likely benign. Review status: criteria provided, multiple submitters, no conflicts (2 of 4 stars). 2 submissions from 2 submitters: Likely benign (2). Last evaluated 2025-09-22.

Conditions:
POMGNT2-related disorder. Also called: POMGNT2-related condition.
Muscular dystrophy-dystroglycanopathy (congenital with brain and eye anomalies), type a, 8 (MDDGA8). Also called: WALKER-WARBURG SYNDROME OR MUSCLE-EYE-BRAIN DISEASE, GTDC2-RELATED. Identifiers: Orphanet 899, MedGen C3553813, MONDO:0013904, OMIM 614830.

Allele frequency attached by ClinVar (database versions not stated): gnomAD exomes 0.00001 and 0.00002; ExAC 0.00002; gnomAD 0.00009; TOPMed 0.00013; ESP Exome Variant Server 0.00015.

Submissions (2):

Labcorp Genetics (formerly Invitae), Labcorp
Classification: Likely benign for Muscular dystrophy-dystroglycanopathy (congenital with brain and eye anomalies), type a, 8. Last evaluated: 2025-09-22. Review status: criteria provided, single submitter. Criteria: Invitae Variant Classification Sherloc (09022015). Collection method: clinical testing. Allele origin: germline.

PreventionGenetics, part of Exact Sciences
Classification: Likely benign for POMGNT2-related condition. Last evaluated: 2025-08-05. Review status: criteria provided, single submitter. Criteria: ACMG Guidelines, 2015. Collection method: clinical testing. Allele origin: germline.
Comment: This variant is classified as likely benign based on ACMG/AMP sequence variant interpretation guidelines (Richards et al. 2015 PMID: 25741868, with internal and published modifications).